The following is an entry in ClinVar:

ClinVar aggregate classification (germline): Uncertain significance. Review status: criteria provided, multiple submitters, no conflicts (2 of 4 stars). 2 submissions from 2 submitters: Uncertain significance (2). Last evaluated 2023-12-01.

Conditions:
RYR1-related disorder. Also called: RYR1-related condition; RYR1-related disorders. Identifiers: MedGen CN239331.

Allele frequency attached by ClinVar (database versions not stated): gnomAD exomes below 0.00001; ExAC 0.00001; gnomAD 0.00001; 1000 Genomes Project 30x 0.00031; 1000 Genomes Project 0.00040.
gnomAD v4.1: 9 of 1,614,088 alleles (0.00056%); highest among the groups gnomAD compares: African/African-American, 0.011%; no homozygotes.

Submissions (2):

ARUP Laboratories, Molecular Genetics and Genomics, ARUP Laboratories
Classification: Uncertain significance. Last evaluated: 2023-12-01. Review status: criteria provided, single submitter. Criteria: ARUP Molecular Germline Variant Investigation Process 2024. Collection method: clinical testing. Allele origin: germline.

Labcorp Genetics (formerly Invitae), Labcorp
Classification: Uncertain significance for RYR1-related disorder. Last evaluated: 2021-08-31. Review status: criteria provided, single submitter. Criteria: Invitae Variant Classification Sherloc (09022015). Collection method: clinical testing. Allele origin: germline.
Comment: This sequence change replaces threonine with alanine at codon 1155 of the RYR1 protein (p.Thr1155Ala). The threonine residue is highly conserved and there is a small physicochemical difference between threonine and alanine. This variant is present in population databases (rs183262321, ExAC 0.01%). This variant has not been reported in the literature in individuals affected with RYR1-related conditions. Advanced modeling of protein sequence and biophysical properties (such as structural, functional, and spatial information, amino acid conservation, physicochemical variation, residue mobility, and thermodynamic stability) performed at Invitae indicates that this missense variant is not expected to disrupt RYR1 protein function. In summary, the available evidence is currently insufficient to determine the role of this variant in disease. Therefore, it has been classified as a Variant of Uncertain Significance.

NM_000540.3(RYR1):c.3463A>G (p.Thr1155Ala)

Gene: RYR1 (ryanodine receptor 1; plus strand). Cytogenetic location: 19q13.2.
Variant type: single nucleotide variant.
Coding change: c.3463A>G on transcript NM_000540.3 (MANE Select); coding-DNA position 3463, A replaced by G.
Protein change: p.Thr1155Ala; replaces threonine 1155 with alanine.
Molecular consequence: missense variant.
Genome position (GRCh38, 1-based): chr19:38,469,047, A>G. VCF-style: chr19-38469047-A-G. GRCh37 (hg19) VCF-style: chr19-38959687-A-G.
Other names: c.3463A>G, p.Thr1155Ala (NM_001042723.2); short protein forms T1155A.
Identifiers: ClinVar variation 1469601 (VCV001469601.6), dbSNP rs183262321, ClinGen allele CA064921.